The following is an entry in ClinVar:

ClinVar aggregate classification (germline): Uncertain significance (1 of 4 stars; one submission).

Allele frequency attached by ClinVar (database versions not stated): gnomAD exomes below 0.00001.

Submission:

Women's Health and Genetics/Laboratory Corporation of America, LabCorp
Classification: Uncertain significance. Last evaluated: 2021-02-22. Review status: criteria provided, single submitter. Criteria: LabCorp Variant Classification Summary - May 2015. Collection method: clinical testing. Allele origin: germline.
Comment: Variant summary: CBL c.2603G>T (p.Gly868Val) results in a non-conservative amino acid change located in the Ubiquitin-associated domain (IPR015940) of the encoded protein sequence. Four of five in-silico tools predict a damaging effect of the variant on protein function. The variant was absent in 251462 control chromosomes (gnomAD). The available data on variant occurrences in the general population are insufficient to allow any conclusion about variant significance. To our knowledge, no occurrence of c.2603G>T in individuals affected with Noonan Syndrome-Like Disorder and no experimental evidence demonstrating its impact on protein function have been reported. No clinical diagnostic laboratories have submitted clinical-significance assessments for this variant to ClinVar after 2014. Based on the evidence outlined above, the variant was classified as uncertain significance.

NM_005188.4(CBL):c.2603G>T (p.Gly868Val)

Gene: CBL (Cbl proto-oncogene; plus strand). Cytogenetic location: 11q23.3.
Variant type: single nucleotide variant.
Coding change: c.2603G>T on transcript NM_005188.4 (MANE Select); coding-DNA position 2603, G replaced by T.
Protein change: p.Gly868Val; replaces glycine 868 with valine.
Molecular consequence: missense variant.
Genome position (GRCh38, 1-based): chr11:119,299,663, G>T. VCF-style: chr11-119299663-G-T. GRCh37 (hg19) VCF-style: chr11-119170373-G-T.
Other names: short protein forms G868V.
Identifiers: ClinVar variation 997860 (VCV000997860.1), dbSNP rs1950087495, ClinGen allele CA382933175.